The following is an entry in ClinVar:

NM_001002010.5(NT5C3A):c.395A>T (p.Asp132Val)

Gene: NT5C3A (5'-nucleotidase, cytosolic IIIA; minus strand). Cytogenetic location: 7p14.3.
Variant type: single nucleotide variant.
Coding change: c.395A>T on transcript NM_001002010.5 (MANE Select); coding-DNA position 395, A replaced by T.
Protein change: p.Asp132Val; replaces aspartic acid 132 with valine.
Molecular consequence: missense variant.
Genome position (GRCh38, 1-based): chr7:33,021,317, T>A on the plus strand (A>T on the coding strand, the complement: NT5C3A is on the minus strand). VCF-style: chr7-33021317-T-A. GRCh37 (hg19) VCF-style: chr7-33060929-T-A.
Other names: c.293A>T, p.Asp98Val (NM_001002009.3, NM_016489.14); c.257A>T, p.Asp86Val (NM_001166118.3, NM_001356996.3, NM_001374336.1 and 1 more transcripts); c.296A>T, p.Asp99Val (NM_001374335.1); c.395A>T, p.Asp132Val (NM_001374338.1); c.194A>T, p.Asp65Val (NM_001374339.1); short protein forms D98V, D132V, D86V, D65V, D99V.
Identifiers: ClinVar variation 4479 (VCV000004479.12), dbSNP rs104894025, ClinGen allele CA116881.

ClinVar aggregate classification (germline): Pathogenic/Likely pathogenic. Review status: criteria provided, multiple submitters, no conflicts (2 of 4 stars). 3 submissions from 3 submitters: Pathogenic (1); Likely pathogenic (1). 1 of the submissions does not count toward it. Last evaluated 2023-05-29.

Conditions:
Hemolytic anemia due to pyrimidine 5' nucleotidase deficiency (CNSHA8). Also called: P5N DEFICIENCY; PYRIMIDINE 5-PRIME NUCLEOTIDASE DEFICIENCY, HEMOLYTIC ANEMIA DUE TO; HEMOLYTIC ANEMIA DUE TO P5N DEFICIENCY; HEMOLYTIC ANEMIA DUE TO UMPH1 DEFICIENCY; UMPH1 DEFICIENCY. Identifiers: Orphanet 35120, MedGen C1849507, MONDO:0009946, OMIM 266120.

Allele frequency attached by ClinVar (database versions not stated): gnomAD exomes 0.00001; ExAC 0.00002; gnomAD 0.00002; TOPMed 0.00003.
gnomAD v4.1: 22 of 1,612,244 alleles (0.0014%); highest among the groups gnomAD compares: African/African-American, 0.0027%; no homozygotes.

Submissions (3):

Labcorp Genetics (formerly Invitae), Labcorp
Classification: Likely pathogenic. Last evaluated: 2023-05-29. Review status: criteria provided, single submitter. Criteria: Invitae Variant Classification Sherloc (09022015). Collection method: clinical testing. Allele origin: germline.
Comment: This sequence change replaces aspartic acid, which is acidic and polar, with valine, which is neutral and non-polar, at codon 98 of the NT5C3A protein (p.Asp98Val). This variant is present in population databases (rs104894025, gnomAD 0.007%). This missense change has been observed in individuals with pyrimidine 5'-nucleotidase deficiency (PMID: 11369620; Invitae). It has also been observed to segregate with disease in related individuals. ClinVar contains an entry for this variant (Variation ID: 4479). Advanced modeling of protein sequence and biophysical properties (such as structural, functional, and spatial information, amino acid conservation, physicochemical variation, residue mobility, and thermodynamic stability) performed at Invitae indicates that this missense variant is expected to disrupt NT5C3A protein function. In summary, the currently available evidence indicates that the variant is pathogenic, but additional data are needed to prove that conclusively. Therefore, this variant has been classified as Likely Pathogenic.

ARUP Laboratories, Molecular Genetics and Genomics, ARUP Laboratories
Classification: Pathogenic for Hemolytic anemia due to pyrimidine 5' nucleotidase deficiency. Last evaluated: 2021-09-13. Review status: criteria provided, single submitter. Criteria: ARUP Molecular Germline Variant Investigation Process 2021. Collection method: clinical testing. Allele origin: germline.

OMIM
Classification: Pathogenic for ANEMIA, CONGENITAL, NONSPHEROCYTIC HEMOLYTIC, 8. Last evaluated: 2001-06-01. Review status: no assertion criteria provided. Collection method: literature only. Allele origin: germline. Not counted in ClinVar's aggregate classification.

Literature cited by the submitters: PubMed 11369620 (cited by Labcorp Genetics (formerly Invitae), Labcorp and OMIM); PubMed 6310729 (cited by OMIM).